The following is an entry in ClinVar:

ClinVar aggregate classification (germline): Uncertain significance (1 of 4 stars; one submission).

Allele frequency attached by ClinVar (database versions not stated): gnomAD 0.00001; TOPMed 0.00002; ExAC 0.00004.
gnomAD v4.1: 40 of 1,613,940 alleles (0.0025%); highest among the groups gnomAD compares: South Asian, 0.0099%; no homozygotes.

Submission:

Labcorp Genetics (formerly Invitae), Labcorp
Classification: Uncertain significance. Last evaluated: 2022-08-22. Review status: criteria provided, single submitter. Criteria: Invitae Variant Classification Sherloc (09022015). Collection method: clinical testing. Allele origin: germline.
Comment: This sequence change replaces glycine, which is neutral and non-polar, with arginine, which is basic and polar, at codon 1032 of the DNAH9 protein (p.Gly1032Arg). This variant is present in population databases (rs752836113, gnomAD 0.01%). This variant has not been reported in the literature in individuals affected with DNAH9-related conditions. Algorithms developed to predict the effect of missense changes on protein structure and function are either unavailable or do not agree on the potential impact of this missense change (SIFT: "Deleterious"; PolyPhen-2: "Possibly Damaging"; Align-GVGD: "Class C0"). In summary, the available evidence is currently insufficient to determine the role of this variant in disease. Therefore, it has been classified as a Variant of Uncertain Significance.

NM_001372.4(DNAH9):c.3094G>A (p.Gly1032Arg)

Genes: DNAH9 (dynein axonemal heavy chain 9; plus strand), LOC126862505 (BRD4-independent group 4 enhancer GRCh37_chr17:11572478-11573677; plus strand). Cytogenetic location: 17p12.
Variant type: single nucleotide variant.
Coding change: c.3094G>A on transcript NM_001372.4 (MANE Select); coding-DNA position 3094, G replaced by A.
Protein change: p.Gly1032Arg; replaces glycine 1032 with arginine.
Molecular consequence: missense variant.
Genome position (GRCh38, 1-based): chr17:11,669,535, G>A. VCF-style: chr17-11669535-G-A. GRCh37 (hg19) VCF-style: chr17-11572852-G-A.
Other names: short protein forms G1032R.
Identifiers: ClinVar variation 2200599 (VCV002200599.1), dbSNP rs752836113, ClinGen allele CA8395358.